The following is an entry in ClinVar:

NM_001753.5(CAV1):c.30+3A>G

Gene: CAV1 (caveolin 1; plus strand). Cytogenetic location: 7q31.2.
Variant type: single nucleotide variant.
Coding change: c.30+3A>G on transcript NM_001753.5 (MANE Select); 3 bases into the intron after coding-DNA position 30, A replaced by G.
Molecular consequence: intron variant. On other transcripts: 5 prime UTR variant (1).
Genome position (GRCh38, 1-based): chr7:116,525,095, A>G. VCF-style: chr7-116525095-A-G. GRCh37 (hg19) VCF-style: chr7-116165149-A-G.
Other names: c.-774A>G (NM_001172895.1).
Identifiers: ClinVar variation 3594247 (VCV003594247.2).

ClinVar aggregate classification (germline): Uncertain significance. Review status: criteria provided, multiple submitters, no conflicts (2 of 4 stars). 2 submissions from 2 submitters: Uncertain significance (2). Last evaluated 2025-08-03.

Conditions:
Pulmonary hypertension, primary, 3. Identifiers: Orphanet 422, MedGen C3809192, MONDO:0014135, OMIM 615343.
Congenital generalized lipodystrophy type 3 (CGL3). Also called: BERARDINELLI-SEIP CONGENITAL LIPODYSTROPHY, TYPE 3. Identifiers: Orphanet 528, Orphanet 696206, MedGen C2675861, MONDO:0012923, OMIM 612526.
Partial lipodystrophy, congenital cataracts, and neurodegeneration syndrome (FPLD7). Identifiers: MedGen C3807567, MONDO:0011714, OMIM 606721.

gnomAD v4.1: 1 of 1,613,890 alleles (0.000062%); highest among the groups gnomAD compares: Non-Finnish European, 0.000085%; no homozygotes.

Submissions (2):

Labcorp Genetics (formerly Invitae), Labcorp
Classification: Uncertain significance for Pulmonary hypertension, primary, 3. Last evaluated: 2025-08-03. Review status: criteria provided, single submitter. Criteria: Invitae Variant Classification Sherloc (09022015). Collection method: clinical testing. Allele origin: germline.
Comment: This sequence change falls in intron 1 of the CAV1 gene. It does not directly change the encoded amino acid sequence of the CAV1 protein. It affects a nucleotide within the consensus splice site. This variant is not present in population databases (gnomAD no frequency). This variant has not been reported in the literature in individuals affected with CAV1-related conditions. ClinVar contains an entry for this variant (Variation ID: 3594247). Variants that disrupt the consensus splice site are a relatively common cause of aberrant splicing (PMID: 17576681, 9536098). Algorithms developed to predict the effect of sequence changes on RNA splicing suggest that this variant may disrupt the consensus splice site. In summary, the available evidence is currently insufficient to determine the role of this variant in disease. Therefore, it has been classified as a Variant of Uncertain Significance.

Fulgent Genetics
Classification: Uncertain significance for Partial lipodystrophy, congenital cataracts, and neurodegeneration syndrome; Congenital generalized lipodystrophy type 3; Pulmonary hypertension, primary, 3. Last evaluated: 2024-06-10. Review status: criteria provided, single submitter. Criteria: ACMG Guidelines, 2015. Collection method: clinical testing. Allele origin: germline.

Literature cited by the submitters: PubMed 17576681 (cited by Labcorp Genetics (formerly Invitae), Labcorp); PubMed 9536098 (cited by Labcorp Genetics (formerly Invitae), Labcorp).